The following is an entry in ClinVar:

ClinVar aggregate classification (germline): Uncertain significance (1 of 4 stars; one submission).

Conditions:
Lymphoproliferative syndrome 1 (LPFS1). Identifiers: Orphanet 238505, Orphanet 538963, MedGen C3552634, MONDO:0013081, OMIM 613011.

Allele frequency attached by ClinVar (database versions not stated): gnomAD exomes 0.00002 and 0.00004; ExAC 0.00003; gnomAD 0.00003 and 0.00004; TOPMed 0.00006; ESP Exome Variant Server 0.00015.
gnomAD v4.1: 58 of 1,613,796 alleles (0.0036%); highest among the groups gnomAD compares: South Asian, 0.013%; no homozygotes.

Submission:

Labcorp Genetics (formerly Invitae), Labcorp
Classification: Uncertain significance for Lymphoproliferative syndrome 1. Last evaluated: 2022-07-19. Review status: criteria provided, single submitter. Criteria: Invitae Variant Classification Sherloc (09022015). Collection method: clinical testing. Allele origin: germline.
Comment: In summary, the available evidence is currently insufficient to determine the role of this variant in disease. Therefore, it has been classified as a Variant of Uncertain Significance. Advanced modeling of protein sequence and biophysical properties (such as structural, functional, and spatial information, amino acid conservation, physicochemical variation, residue mobility, and thermodynamic stability) performed at Invitae indicates that this missense variant is not expected to disrupt ITK protein function. ClinVar contains an entry for this variant (Variation ID: 1035963). This variant has not been reported in the literature in individuals affected with ITK-related conditions. This variant is present in population databases (rs143652027, gnomAD 0.01%). This sequence change replaces arginine, which is basic and polar, with cysteine, which is neutral and slightly polar, at codon 448 of the ITK protein (p.Arg448Cys).

NM_005546.4(ITK):c.1342C>T (p.Arg448Cys)

Gene: ITK (IL2 inducible T cell kinase; plus strand). Cytogenetic location: 5q33.3.
Variant type: single nucleotide variant.
Coding change: c.1342C>T on transcript NM_005546.4 (MANE Select); coding-DNA position 1342, C replaced by T.
Protein change: p.Arg448Cys; replaces arginine 448 with cysteine.
Molecular consequence: missense variant.
Genome position (GRCh38, 1-based): chr5:157,244,371, C>T. VCF-style: chr5-157244371-C-T. GRCh37 (hg19) VCF-style: chr5-156671381-C-T.
Other names: short protein forms R448C.
Identifiers: ClinVar variation 1035963 (VCV001035963.6), dbSNP rs143652027, ClinGen allele CA3533060.
Genomic context (GRCh38, chr5:157,244,371, plus strand): 5'-CAGGCCCCCATCTGCCTGGTGTTTGAGTTCATGGAGCACGGCTGCCTGTCAGATTATCTA[C>T]GCACCCAGCGGGGACTTTTTGCTGCAGAGACCCTGCTGGGCATGTGTCTGGATGTGTGTG-3'
Protein context (NP_005537.3, residues 438-458): MEHGCLSDYL[Arg448Cys]TQRGLFAAET